The following is an entry in ClinVar:

ClinVar aggregate classification (germline): Uncertain significance. Review status: criteria provided, multiple submitters, no conflicts (2 of 4 stars). 2 submissions from 2 submitters: Uncertain significance (2). Last evaluated 2025-06-27.

gnomAD v4.1: 61 of 1,577,918 alleles (0.0039%); highest among the groups gnomAD compares: South Asian, 0.0082%; no homozygotes.

Submissions (2):

Labcorp Genetics (formerly Invitae), Labcorp
Classification: Uncertain significance. Last evaluated: 2025-06-27. Review status: criteria provided, single submitter. Criteria: Invitae Variant Classification Sherloc (09022015). Collection method: clinical testing. Allele origin: germline.
Comment: This sequence change replaces glycine, which is neutral and non-polar, with arginine, which is basic and polar, at codon 634 of the TNS2 protein (p.Gly634Arg). This variant is present in population databases (rs768896385, gnomAD 0.008%). This variant has not been reported in the literature in individuals affected with TNS2-related conditions. ClinVar contains an entry for this variant (Variation ID: 3459642). An algorithm developed to predict the effect of missense changes on protein structure and function outputs the following: PolyPhen-2: "Benign". The arginine amino acid residue is found in multiple mammalian species, which suggests that this missense change does not adversely affect protein function. In summary, the available evidence is currently insufficient to determine the role of this variant in disease. Therefore, it has been classified as a Variant of Uncertain Significance.

Ambry Genetics
Classification: Uncertain significance. Last evaluated: 2024-08-14. Review status: criteria provided, single submitter. Criteria: Ambry Variant Classification Scheme 2023. Collection method: clinical testing. Allele origin: germline.

NM_170754.4(TNS2):c.1870G>A (p.Gly624Arg)

Gene: TNS2 (tensin 2; plus strand). Cytogenetic location: 12q13.13.
Variant type: single nucleotide variant.
Coding change: c.1870G>A on transcript NM_170754.4 (MANE Select); coding-DNA position 1870, G replaced by A.
Protein change: p.Gly624Arg; replaces glycine 624 with arginine.
Molecular consequence: missense variant.
Genome position (GRCh38, 1-based): chr12:53,059,511, G>A. VCF-style: chr12-53059511-G-A. GRCh37 (hg19) VCF-style: chr12-53453295-G-A.
Other names: c.1870G>A, p.Gly624Arg (NM_001416202.1); c.1828G>A, p.Gly610Arg (NM_001416203.1); c.1897G>A, p.Gly633Arg (NM_001416204.1); c.1801G>A, p.Gly601Arg (NM_015319.3); c.1498G>A, p.Gly500Arg (NM_198316.2); short protein forms G601R, G633R, G624R, G500R, G610R.
Identifiers: ClinVar variation 3459642 (VCV003459642.2).